The following is an entry in ClinVar:

NM_019066.5(MAGEL2):c.2847T>A (p.Pro949=)

Gene: MAGEL2 (MAGE family member L2; minus strand). Cytogenetic location: 15q11.2.
Variant type: single nucleotide variant.
Coding change: c.2847T>A on transcript NM_019066.5 (MANE Select); coding-DNA position 2847, T replaced by A.
Protein change: p.Pro949=; no amino-acid change (proline 949 retained).
Molecular consequence: synonymous variant.
Genome position (GRCh38, 1-based): chr15:23,644,896, A>T on the plus strand (T>A on the coding strand, the complement: MAGEL2 is on the minus strand). VCF-style: chr15-23644896-A-T. GRCh37 (hg19) VCF-style: chr15-23890043-A-T.
Identifiers: ClinVar variation 3026187 (VCV003026187.22), dbSNP rs755206356, ClinGen allele CA7429803.
Genomic context (GRCh38, chr15:23,644,896, plus strand): 5'-GGCACTCAGGGCCCAGGATGCGCTGGGCCCTTCCCAGCCACTCAGGATCCTGGAGGTGCT[A>T]GGGCCCTCCCAACCACTCAGGCCACGGGGGGTGTTTGGGTGCTCCCAGTCACCCGAGACC-3'
Protein context (NP_061939.3, residues 939-959): TPRGLSGWEG[Pro949=]STSRILSGWE

ClinVar aggregate classification (germline): Likely benign (1 of 4 stars; one submission).

Allele frequency attached by ClinVar (database versions not stated): gnomAD 0.00001; gnomAD exomes 0.00001; ExAC 0.00002.
gnomAD v4.1: 8 of 1,612,656 alleles (0.0005%); highest among the groups gnomAD compares: Non-Finnish European, 0.00068%; no homozygotes.

Submission:

CeGaT Center for Human Genetics Tuebingen
Classification: Likely benign. Last evaluated: 2024-02-01. Review status: criteria provided, single submitter. Criteria: CeGaT Center For Human Genetics Tuebingen Variant Classification Criteria Version 2. Collection method: clinical testing. Allele origin: germline. Affected: yes. Observed: 1 variant allele.
Comment: MAGEL2: BP4, BP7